The following is an entry in ClinVar:

NM_001365276.2(TNXB):c.5876G>A (p.Gly1959Asp)

Gene: TNXB (tenascin XB; minus strand). Cytogenetic location: 6p21.33.
Variant type: single nucleotide variant.
Coding change: c.5876G>A on transcript NM_001365276.2 (MANE Select); coding-DNA position 5876, G replaced by A.
Protein change: p.Gly1959Asp; replaces glycine 1959 with aspartic acid.
Molecular consequence: missense variant.
Genome position (GRCh38, 1-based): chr6:32,068,848, C>T on the plus strand (G>A on the coding strand, the complement: TNXB is on the minus strand). VCF-style: chr6-32068848-C-T. GRCh37 (hg19) VCF-style: chr6-32036625-C-T.
Other names: c.6617G>A, p.Gly2206Asp (NM_001428335.1); c.5876G>A, p.Gly1959Asp (NM_019105.8); short protein forms G1959D, G2206D.
Identifiers: ClinVar variation 3809347 (VCV003809347.1).

ClinVar aggregate classification (germline): Uncertain significance (1 of 4 stars; one submission).

Conditions:
Cardiovascular phenotype. Identifiers: MedGen CN230736.

Submission:

Ambry Genetics
Classification: Uncertain significance for Cardiovascular phenotype. Last evaluated: 2025-02-01. Review status: criteria provided, single submitter. Criteria: Ambry Variant Classification Scheme 2023. Collection method: clinical testing. Allele origin: germline.
Comment: The p.G1959D variant (also known as c.5876G>A), located in coding exon 15 of the TNXB gene, results from a G to A substitution at nucleotide position 5876. The glycine at codon 1959 is replaced by aspartic acid, an amino acid with similar properties. This amino acid position is conserved. In addition, this alteration is predicted to be tolerated by in silico analysis. Based on the available evidence, the clinical significance of this variant remains unclear.